The following is an entry in ClinVar:

NM_000179.3(MSH6):c.3927A>T (p.Pro1309=)

Gene: MSH6 (mutS homolog 6; plus strand). Cytogenetic location: 2p16.3.
Variant type: single nucleotide variant.
Coding change: c.3927A>T on transcript NM_000179.3 (MANE Select); coding-DNA position 3927, A replaced by T.
Protein change: p.Pro1309=; no amino-acid change (proline 1309 retained).
Molecular consequence: synonymous variant.
Genome position (GRCh38, 1-based): chr2:47,806,577, A>T. VCF-style: chr2-47806577-A-T. GRCh37 (hg19) VCF-style: chr2-48033716-A-T.
Other names: c.3537A>T, p.Pro1179= (NM_001281492.2); c.3021A>T, p.Pro1007= (NM_001281493.2, NM_001281494.2).
Identifiers: ClinVar variation 483853 (VCV000483853.16), dbSNP rs1553333611, ClinGen allele CA426122165.
Genomic context (GRCh38, chr2:47,806,577, plus strand): 5'-CATTAAGGGAGCTTGTCCTAAAAGCTATGGCTTTAATGCAGCAAGGCTTGCTAATCTCCC[A>T]GAGGAAGTTATTCAAAAGGGACATAGAAAAGCAAGAGAATTTGAGAAGATGAATCAGTCA-3'
Protein context (NP_000170.1, residues 1299-1319): GFNAARLANL[Pro1309=]EEVIQKGHRK

ClinVar aggregate classification (germline): Benign/Likely benign. Review status: criteria provided, multiple submitters, no conflicts (2 of 4 stars). 5 submissions from 5 submitters: Benign (1); Likely benign (4). Last evaluated 2025-10-23.

Conditions:
Hereditary cancer-predisposing syndrome. Also called: Tumor predisposition; Hereditary Cancer Syndrome; Neoplastic Syndromes, Hereditary; Hereditary neoplastic syndrome. Identifiers: Orphanet 140162, MedGen C0027672, MeSH D009386, MONDO:0015356.
Hereditary nonpolyposis colorectal neoplasms. Identifiers: MedGen C0009405, MeSH D003123.
Lynch syndrome 5 (LYNCH5). Also called: Colorectal cancer, hereditary nonpolyposis, type 5; Hereditary non-polyposis colorectal cancer, type 5. Identifiers: Orphanet 144, MedGen C1833477, MONDO:0013710, OMIM 614350. Disease mechanism: loss of function.

Submissions (5):

Labcorp Genetics (formerly Invitae), Labcorp
Classification: Likely benign for Hereditary nonpolyposis colorectal neoplasms. Last evaluated: 2025-10-23. Review status: criteria provided, single submitter. Criteria: Invitae Variant Classification Sherloc (09022015). Collection method: clinical testing. Allele origin: germline.

Color Diagnostics, LLC DBA Color Health
Classification: Likely benign for Hereditary cancer-predisposing syndrome. Last evaluated: 2025-01-27. Review status: criteria provided, single submitter. Criteria: ACMG Guidelines, 2015. Collection method: clinical testing. Allele origin: germline.

Myriad Genetics, Inc.
Classification: Benign for Lynch syndrome 5. Last evaluated: 2025-01-08. Review status: criteria provided, single submitter. Criteria: Myriad Autosomal Dominant, Autosomal Recessive and X-Linked Classification Criteria (2023). Collection method: clinical testing. Allele origin: unknown.
Comment: This variant is considered benign. This variant is a silent/synonymous amino acid change and it is not expected to impact splicing.

Blueprint Genetics
Classification: Likely benign. Last evaluated: 2023-04-24. Review status: criteria provided, single submitter. Criteria: ACMG Guidelines, 2015. Collection method: clinical testing. Allele origin: germline.

Ambry Genetics
Classification: Likely benign for Hereditary cancer-predisposing syndrome. Last evaluated: 2017-04-07. Review status: criteria provided, single submitter. Criteria: Ambry Variant Classification Scheme 2023. Collection method: clinical testing. Allele origin: germline.